The following is an entry in ClinVar:

NM_000428.3(LTBP2):c.4250A>G (p.Gln1417Arg)

Gene: LTBP2 (latent transforming growth factor beta binding protein 2; minus strand). Cytogenetic location: 14q24.3.
Variant type: single nucleotide variant.
Coding change: c.4250A>G on transcript NM_000428.3 (MANE Select); coding-DNA position 4250, A replaced by G.
Protein change: p.Gln1417Arg; replaces glutamine 1417 with arginine.
Molecular consequence: missense variant.
Genome position (GRCh38, 1-based): chr14:74,505,102, T>C on the plus strand (A>G on the coding strand, the complement: LTBP2 is on the minus strand). VCF-style: chr14-74505102-T-C. GRCh37 (hg19) VCF-style: chr14-74971805-T-C.
Other names: short protein forms Q1417R.
Identifiers: ClinVar variation 126955 (VCV000126955.8), dbSNP rs137854863, ClinGen allele CA151343.

ClinVar aggregate classification (germline): Conflicting classifications of pathogenicity. Review status: criteria provided, conflicting classifications (1 of 4 stars). 4 submissions from 4 submitters: Likely pathogenic (1); Uncertain significance (2). 1 of the submissions does not count toward it. Last evaluated 2024-04-10.

Conditions:
Microspherophakia and/or megalocornea, with ectopia lentis and with or without secondary glaucoma (MSPKA). Identifiers: Orphanet 238763, MedGen C3538951, MONDO:0009633, OMIM 251750.
Glaucoma 3, primary congenital, D. Identifiers: Orphanet 98976, MedGen C2751316, MONDO:0013122, OMIM 613086.
Glaucoma 3, primary infantile, B. Also called: GLAUCOMA, PRIMARY CONGENITAL, TYPE B; GLC3B; GLC3 type B; Primary congenital glaucoma type 3B; Glaucoma primary congenita type 3B. Identifiers: Orphanet 98976, MedGen C1832977, MONDO:0010968, OMIM 600975.
Weill-Marchesani syndrome 3 (WMS3). Also called: Weill-Marchesani syndrome 3, recessive; LTBP2-Related Weill-Marchesani Syndrome. Identifiers: Orphanet 3449, MedGen C3553785, MONDO:0013899, OMIM 614819.
Primary open angle glaucoma (POAG). Also called: OPTN-related open angle glaucoma. Identifiers: MedGen C0339573, MONDO:0100553, OMIM 137760.

Allele frequency attached by ClinVar (database versions not stated): gnomAD 0.00001; TOPMed 0.00001; gnomAD exomes 0.00003 and 0.00007; ExAC 0.00006.
gnomAD v4.1: 50 of 1,614,082 alleles (0.0031%); highest among the groups gnomAD compares: South Asian, 0.035%; no homozygotes.

Submissions (4):

Labcorp Genetics (formerly Invitae), Labcorp
Classification: Uncertain significance. Last evaluated: 2024-04-10. Review status: criteria provided, single submitter. Criteria: Invitae Variant Classification Sherloc (09022015). Collection method: clinical testing. Allele origin: germline.
Comment: This sequence change replaces glutamine, which is neutral and polar, with arginine, which is basic and polar, at codon 1417 of the LTBP2 protein (p.Gln1417Arg). This variant is present in population databases (rs137854863, gnomAD 0.05%). This missense change has been observed in individual(s) with LTBP2-related conditions (PMID: 26425313). ClinVar contains an entry for this variant (Variation ID: 126955). An algorithm developed to predict the effect of missense changes on protein structure and function (PolyPhen-2) suggests that this variant¬†is likely to be tolerated. In summary, the available evidence is currently insufficient to determine the role of this variant in disease. Therefore, it has been classified as a Variant of Uncertain Significance.

Department of Pathology and Laboratory Medicine, Sinai Health System
Classification: Uncertain significance for Microspherophakia and/or megalocornea, with ectopia lentis and with or without secondary glaucoma; Weill-Marchesani syndrome 3; Glaucoma 3, primary infantile, B; Glaucoma 3, primary congenital, D. Last evaluated: 2022-09-08. Review status: criteria provided, single submitter. Criteria: ACMG Guidelines, 2015. Collection method: research. Allele origin: germline.

Genetics and Genomic Medicine Centre, NeuroGen Healthcare, NeuroGen Healthcare
Classification: Likely pathogenic for Microspherophakia and/or megalocornea, with ectopia lentis and with or without secondary glaucoma. Last evaluated: 2022-04-28. Review status: criteria provided, single submitter. Criteria: Submitter's publication. Collection method: clinical testing. Allele origin: unknown. Affected: no.

Elahi Laboratory, University of Tehran
Classification: Likely pathogenic for Primary open angle glaucoma. Review status: no assertion criteria provided. Collection method: not provided. Allele origin: unknown. Not counted in ClinVar's aggregate classification.
ClinVar note: Converted during submission from probable-pathogenic to Likely pathogenic.

Literature cited by the submitters: PubMed 26425313 (cited by Labcorp Genetics (formerly Invitae), Labcorp).